The following is an entry in ClinVar:

ClinVar aggregate classification (germline): Uncertain significance (1 of 4 stars; one submission).

Allele frequency attached by ClinVar (database versions not stated): ExAC 0.00009; gnomAD exomes 0.00009; gnomAD 0.00010 and 0.00011; TOPMed 0.00010.
gnomAD v4.1: 236 of 1,612,560 alleles (0.015%); highest among the groups gnomAD compares: Non-Finnish European, 0.018%; no homozygotes.

Submission:

Labcorp Genetics (formerly Invitae), Labcorp
Classification: Uncertain significance. Last evaluated: 2024-10-17. Review status: criteria provided, single submitter. Criteria: Invitae Variant Classification Sherloc (09022015). Collection method: clinical testing. Allele origin: germline.
Comment: This sequence change replaces arginine, which is basic and polar, with cysteine, which is neutral and slightly polar, at codon 753 of the CCDC88A protein (p.Arg753Cys). This variant is present in population databases (rs748202371, gnomAD 0.02%). This variant has not been reported in the literature in individuals affected with CCDC88A-related conditions. ClinVar contains an entry for this variant (Variation ID: 1400713). An algorithm developed to predict the effect of missense changes on protein structure and function (PolyPhen-2) suggests that this variant is likely to be disruptive. In summary, the available evidence is currently insufficient to determine the role of this variant in disease. Therefore, it has been classified as a Variant of Uncertain Significance.

NM_001365480.1(CCDC88A):c.2257C>T (p.Arg753Cys)

Gene: CCDC88A (coiled-coil domain containing 88A; minus strand). Cytogenetic location: 2p16.1.
Variant type: single nucleotide variant.
Coding change: c.2257C>T on transcript NM_001365480.1 (MANE Select); coding-DNA position 2257, C replaced by T.
Protein change: p.Arg753Cys; replaces arginine 753 with cysteine.
Molecular consequence: missense variant.
Genome position (GRCh38, 1-based): chr2:55,334,564, G>A on the plus strand (C>T on the coding strand, the complement: CCDC88A is on the minus strand). VCF-style: chr2-55334564-G-A. GRCh37 (hg19) VCF-style: chr2-55561700-G-A.
Other names: c.2257C>T, p.Arg753Cys (NM_001135597.2, NM_001254943.2, NM_018084.5); short protein forms R753C.
Identifiers: ClinVar variation 1400713 (VCV001400713.4), dbSNP rs748202371, ClinGen allele CA1666006.
Genomic context (GRCh38, chr2:55,334,564, plus strand): 5'-CTAAAGTTTTTTGCAGTCTTTGATTTTCTATATCTAAACCCTGGTAGCTAACTTCTAAGC[G>A]TTCTGTTTTCTTGAAAGATGCTTTCAGGAGCTCCAAACCCTTCTTAAGTTGCTCTTTTTC-3'
Protein context (NP_001352409.1, residues 743-763): LLKASFKKTE[Arg753Cys]LEVSYQGLDI